The following is an entry in ClinVar:

ClinVar aggregate classification (germline): Conflicting classifications of pathogenicity. Review status: criteria provided, conflicting classifications (1 of 4 stars). 6 submissions from 6 submitters: Pathogenic (2); Likely pathogenic (2); Uncertain significance (1). 1 of the submissions does not count toward it. Last evaluated 2026-01-18.

Conditions:
Xeroderma pigmentosum (XP). Identifiers: Orphanet 910, MedGen C0043346, MONDO:0019600.
XPC-related disorder. Also called: XPC-related condition.
Xeroderma pigmentosum, group C (XPC). Also called: Xeroderma pigmentosum, complementation group C; XPC-Related Xeroderma Pigmentosum; XERODERMA PIGMENTOSUM III; XP, GROUP C. Identifiers: Orphanet 910, MedGen C2752147, MONDO:0010211, OMIM 278720.

Allele frequency attached by ClinVar (database versions not stated): gnomAD 0.00001; TOPMed 0.00002; ExAC 0.00004.

Submissions (6):

Labcorp Genetics (formerly Invitae), Labcorp
Classification: Pathogenic. Last evaluated: 2026-01-18. Review status: criteria provided, single submitter. Criteria: Invitae Variant Classification Sherloc (09022015). Collection method: clinical testing. Allele origin: germline.
Comment: This sequence change affects the initiator codon of the XPC mRNA. This change may impact translation initiation or efficiency. The next in-frame methionine is located at codon 118. This variant is present in population databases (rs763678756, gnomAD 0.02%). Disruption of the initiator codon has been observed in individual(s) with xeroderma pigmentosum (PMID: 18955168). ClinVar contains an entry for this variant (Variation ID: 551388). Studies have shown that disruption of the initiator codon alters XPC gene expression (PMID: 18955168). For these reasons, this variant has been classified as Pathogenic.

Fulgent Genetics
Classification: Pathogenic for Xeroderma pigmentosum, group C. Last evaluated: 2024-05-10. Review status: criteria provided, single submitter. Criteria: ACMG Guidelines, 2015. Collection method: clinical testing. Allele origin: germline.

Blueprint Genetics
Classification: Likely pathogenic for XPC-related disorders. Last evaluated: 2023-06-06. Review status: criteria provided, single submitter. Criteria: ACMG Guidelines, 2015. Collection method: clinical testing. Allele origin: germline. Affected: yes. Observed: 3 variant alleles.

Women's Health and Genetics/Laboratory Corporation of America, LabCorp
Classification: Likely pathogenic for Xeroderma pigmentosum. Last evaluated: 2022-12-06. Review status: criteria provided, single submitter. Criteria: LabCorp Variant Classification Summary - May 2015. Collection method: clinical testing. Allele origin: germline.
Comment: Variant summary: XPC c.1A>G (p.Met1Val) alters the initiation codon and is predicted to result either in absence of the protein or truncation of the encoded protein due to translation initiation at a downstream codon. An alternative downstream in-frame start codon (Met118) is located in the encoded protein. An activation of potential downstream translation at this initiation site would result in a shortened protein missing the first 117 amino acids from the protein sequence. Two of four in-silico tools predict a damaging effect of the variant on protein function. The variant allele was found at a frequency of 5.2e-05 in 247852 control chromosomes (gnomAD). This frequency is not significantly higher than expected for a pathogenic variant in XPC causing Xeroderma Pigmentosum (5.2e-05 vs 0.00071), allowing no conclusion about variant significance. To our knowledge, no occurrence of c.1A>G in individuals affected with Xeroderma Pigmentosum and no experimental evidence demonstrating its impact on protein function have been reported. However, another variant affecting the ATG initiation codon of XPC, c.2T>G (p.Met1Arg), has been reported in individuals affected with Xeroderma Pigmentosa (Khan_2009). This change has also been shown to severely impair protein expression (Khan_2009), suggesting that variants affecting the start codon of XPC are likely to impact function. Three clinical diagnostic laboratories have submitted clinical-significance assessments for this variant to ClinVar after 2014 and classified the variant as either likely pathogenic (n=2) or VUS (n=1). Based on the evidence outlined above, the variant was classified as likely pathogenic.

Illumina Laboratory Services, Illumina
Classification: Uncertain significance for Xeroderma pigmentosum, group C. Last evaluated: 2018-01-13. Review status: criteria provided, single submitter. Criteria: ICSL Variant Classification Criteria 13 December 2019. Collection method: clinical testing. Allele origin: germline.

Counsyl
Classification: Likely pathogenic for Xeroderma pigmentosum, group C. Last evaluated: 2017-04-06. Review status: no assertion criteria provided. Collection method: clinical testing. Allele origin: unknown. Not counted in ClinVar's aggregate classification.

Literature cited by the submitters: PubMed 18955168 (cited by Labcorp Genetics (formerly Invitae), Labcorp and Women's Health and Genetics/Laboratory Corporation of America, LabCorp).

NM_004628.5(XPC):c.1A>G (p.Met1Val)

Genes: XPC (XPC complex subunit, DNA damage recognition and repair factor; minus strand), LOC129936244 (ATAC-STARR-seq lymphoblastoid active region 19500; plus strand). Cytogenetic location: 3p25.1.
Variant type: single nucleotide variant.
Coding change: c.1A>G on transcript NM_004628.5 (MANE Select); coding-DNA position 1, A replaced by G.
Protein change: p.Met1Val; changes the start codon (methionine 1).
Molecular consequence: missense variant, initiator codon variant. On other transcripts: 5 prime UTR variant (1), non-coding transcript variant (2).
Genome position (GRCh38, 1-based): chr3:14,178,568, T>C on the plus strand (A>G on the coding strand, the complement: XPC is on the minus strand). VCF-style: chr3-14178568-T-C. GRCh37 (hg19) VCF-style: chr3-14220068-T-C.
Other names: c.-455A>G (NM_001354726.2); c.1A>G, p.Met1Val (NM_001354727.2, NM_001354729.2, NM_001354730.2); short protein forms M1V.
Identifiers: ClinVar variation 551388 (VCV000551388.16), dbSNP rs763678756, ClinGen allele CA2267848.
Genomic context (GRCh38, chr3:14,178,568, plus strand): 5'-ATTTCTGGCTGCGCAGTTCGCGTCCCCGCGGCTCCCCGCCGGCCGCGCGTTTCCGAGCCA[T>C]GTTGCTTGTCTGGGCAAATTCCACTTCGCGAGTGACGCACCCGGCCGCGATGCGCTAGAA-3'
Protein context (NP_004619.3, residues 1-11): [Met1Val]ARKRAAGGEP